The following is an entry in ClinVar:

NM_031935.3(HMCN1):c.16226C>T (p.Ser5409Phe)

Gene: HMCN1 (hemicentin 1; plus strand). Cytogenetic location: 1q31.1.
Variant type: single nucleotide variant.
Coding change: c.16226C>T on transcript NM_031935.3 (MANE Select); coding-DNA position 16226, C replaced by T.
Protein change: p.Ser5409Phe; replaces serine 5409 with phenylalanine.
Molecular consequence: missense variant.
Genome position (GRCh38, 1-based): chr1:186,178,698, C>T. VCF-style: chr1-186178698-C-T. GRCh37 (hg19) VCF-style: chr1-186147830-C-T.
Other names: short protein forms S5409F.
Identifiers: ClinVar variation 2049145 (VCV002049145.4), dbSNP rs1652752648, ClinGen allele CA343939028.

ClinVar aggregate classification (germline): Uncertain significance (1 of 4 stars; one submission).

Allele frequency attached by ClinVar (database versions not stated): gnomAD exomes 0.00001; gnomAD 0.00001.
gnomAD v4.1: 8 of 1,614,020 alleles (0.0005%); highest among the groups gnomAD compares: Non-Finnish European, 0.00068%; no homozygotes.

Submission:

Labcorp Genetics (formerly Invitae), Labcorp
Classification: Uncertain significance. Last evaluated: 2023-04-22. Review status: criteria provided, single submitter. Criteria: Invitae Variant Classification Sherloc (09022015). Collection method: clinical testing. Allele origin: germline.
Comment: In summary, the available evidence is currently insufficient to determine the role of this variant in disease. Therefore, it has been classified as a Variant of Uncertain Significance. An algorithm developed to predict the effect of missense changes on protein structure and function (PolyPhen-2) suggests that this variant is likely to be tolerated. ClinVar contains an entry for this variant (Variation ID: 2049145). This variant has not been reported in the literature in individuals affected with HMCN1-related conditions. This variant is not present in population databases (gnomAD no frequency). This sequence change replaces serine, which is neutral and polar, with phenylalanine, which is neutral and non-polar, at codon 5409 of the HMCN1 protein (p.Ser5409Phe).